The following is an entry in ClinVar:

NM_000103.4(CYP19A1):c.790C>T (p.Arg264Cys)

Genes: CYP19A1 (cytochrome P450 family 19 subfamily A member 1; minus strand), MIR4713HG (MIR4713 host gene; plus strand), PIRC66 (piwi-interacting RNA cluster 66; plus strand). Cytogenetic location: 15q21.2.
Variant type: single nucleotide variant.
Coding change: c.790C>T on transcript NM_000103.4 (MANE Select); coding-DNA position 790, C replaced by T.
Protein change: p.Arg264Cys; replaces arginine 264 with cysteine.
Molecular consequence: missense variant.
Genome position (GRCh38, 1-based): chr15:51,215,771, G>A on the plus strand (C>T on the coding strand, the complement: CYP19A1 is on the minus strand). VCF-style: chr15-51215771-G-A. GRCh37 (hg19) VCF-style: chr15-51507968-G-A.
Other names: p.R264C:CGC>TGC; c.790C>T, p.Arg264Cys (NM_001347248.1, NM_001347249.2, NM_001347250.2 and 7 more transcripts); short protein forms R264C.
Identifiers: ClinVar variation 137064 (VCV000137064.16), dbSNP rs700519, ClinGen allele CA290560.

ClinVar aggregate classification (germline): Benign. Review status: criteria provided, multiple submitters, no conflicts (2 of 4 stars). 6 submissions from 6 submitters: Benign (5). 1 of the submissions does not count toward it. Last evaluated 2026-02-04.

Conditions:
Aromatase deficiency. Also called: Increased aromatase activity; PSEUDOHERMAPHRODITISM, FEMALE, DUE TO PLACENTAL AROMATASE DEFICIENCY. Identifiers: Orphanet 91, MedGen C1960539, MONDO:0013301, OMIM 613546.

Allele frequency attached by ClinVar (database versions not stated): 1000 Genomes Project 0.13998; gnomAD exomes 0.05155 and 0.07607; gnomAD 0.07673 and 0.08141; ESP Exome Variant Server 0.07737; ExAC 0.07959; TOPMed 0.08001; 1000 Genomes Project 30x 0.13679.
gnomAD v4.1: 87,922 of 1,613,786 alleles (5.4%); highest among the groups gnomAD compares: East Asian, 21%; 5,264 homozygotes.

Submissions (6):

Labcorp Genetics (formerly Invitae), Labcorp
Classification: Benign. Last evaluated: 2026-02-04. Review status: criteria provided, single submitter. Criteria: Invitae Variant Classification Sherloc (09022015). Collection method: clinical testing. Allele origin: germline.

Blueprint Genetics
Classification: Benign. Last evaluated: 2024-11-27. Review status: criteria provided, single submitter. Criteria: ACMG Guidelines, 2015. Collection method: clinical testing. Allele origin: germline.

Illumina Laboratory Services, Illumina
Classification: Benign for Aromatase deficiency. Last evaluated: 2018-03-06. Review status: criteria provided, single submitter. Criteria: ICSL Variant Classification Criteria 13 December 2019. Collection method: clinical testing. Allele origin: germline.
Comment: This variant was observed in the ICSL laboratory as part of a predisposition screen in an ostensibly healthy population. It had not been previously curated by ICSL or reported in the Human Gene Mutation Database (HGMD: prior to June 1st, 2018), and was therefore a candidate for classification through an automated scoring system. Utilizing variant allele frequency, disease prevalence and penetrance estimates, and inheritance mode, an automated score was calculated to assess if this variant is too frequent to cause the disease. Based on the score and internal cut-off values, a variant classified as benign is not then subjected to further curation. The score for this variant resulted in a classification of benign for this disease.

GeneDx
Classification: Benign. Last evaluated: 2014-05-12. Review status: criteria provided, single submitter. Criteria: GeneDx Variant Classification (06012015). Collection method: clinical testing. Allele origin: germline. Affected: yes.
Comment: This variant is considered likely benign or benign based on one or more of the following criteria: it is a conservative change, it occurs at a poorly conserved position in the protein, it is predicted to be benign by multiple in silico algorithms, and/or has population frequency not consistent with disease.

Breakthrough Genomics
Classification: Benign. Review status: criteria provided, single submitter. Criteria: ACMG Guidelines, 2015. Collection method: not provided. Allele origin: germline. Inheritance: Unknown mechanism. Affected: yes.

Natera, Inc.
Classification: Benign for Aromatase deficiency. Last evaluated: 2020-09-16. Review status: no assertion criteria provided. Collection method: clinical testing. Allele origin: germline. Not counted in ClinVar's aggregate classification.